The following is an entry in ClinVar:

NM_004360.5(CDH1):c.1336G>A (p.Ala446Thr)

Gene: CDH1 (cadherin 1; plus strand). Cytogenetic location: 16q22.1.
Variant type: single nucleotide variant.
Coding change: c.1336G>A on transcript NM_004360.5 (MANE Select); coding-DNA position 1336, G replaced by A.
Protein change: p.Ala446Thr; replaces alanine 446 with threonine.
Molecular consequence: missense variant. On other transcripts: 5 prime UTR variant (2).
Genome position (GRCh38, 1-based): chr16:68,815,530, G>A. VCF-style: chr16-68815530-G-A. GRCh37 (hg19) VCF-style: chr16-68849433-G-A.
Other names: c.1336G>A (LRG_301t1); c.1153G>A, p.Ala385Thr (NM_001317184.2); c.-213G>A (NM_001317185.2); c.-484G>A (NM_001317186.2); short protein forms A446T, A385T.
Identifiers: ClinVar variation 234548 (VCV000234548.29), dbSNP rs876661078, ClinGen allele CA10577543.
Genomic context (GRCh38, chr16:68,815,530, plus strand): 5'-AAAATGTTTCGTTTTGTTTTTAACTTCATTGTTTCTGCTCTCTAGGGCTTGGATTTTGAG[G>A]CCAAGCAGCAGTACATTCTACACGTAGCAGTGACGAATGTGGTACCTTTTGAGGTCTCTC-3'
Protein context (NP_004351.1, residues 436-456): LKTAKGLDFE[Ala446Thr]KQQYILHVAV

ClinVar aggregate classification (germline): Conflicting classifications of pathogenicity. Review status: criteria provided, conflicting classifications (1 of 4 stars). 5 submissions from 5 submitters: Uncertain significance (4); Likely benign (1). Last evaluated 2026-05-15.

Conditions:
Hereditary cancer-predisposing syndrome. Also called: Neoplastic Syndromes, Hereditary; Hereditary Cancer Syndrome; Tumor predisposition; Hereditary neoplastic syndrome. Identifiers: Orphanet 140162, MedGen C0027672, MeSH D009386, MONDO:0015356.
Hereditary diffuse gastric adenocarcinoma (HDGC). Also called: DIFFUSE GASTRIC AND LOBULAR BREAST CANCER SYNDROME. Identifiers: Orphanet 26106, MedGen C1708349, MONDO:0007648, OMIM 137215.

Allele frequency attached by ClinVar (database versions not stated): gnomAD exomes below 0.00001.
gnomAD v4.1: 1 of 1,614,172 alleles (0.000062%); highest among the groups gnomAD compares: Non-Finnish European, 0.000085%; no homozygotes.

Submissions (5):

Ambry Genetics
Classification: Likely benign for Hereditary cancer-predisposing syndrome. Last evaluated: 2026-05-15. Review status: criteria provided, single submitter. Criteria: Ambry Variant Classification Scheme 2023. Collection method: clinical testing. Allele origin: germline.

Center for Genomic Medicine, Rigshospitalet, Copenhagen University Hospital
Classification: Uncertain significance. Last evaluated: 2025-03-04. Review status: criteria provided, single submitter. Criteria: ACMG Guidelines, 2015. Collection method: clinical testing. Allele origin: germline.

Labcorp Genetics (formerly Invitae), Labcorp
Classification: Uncertain significance for Hereditary diffuse gastric adenocarcinoma. Last evaluated: 2024-06-12. Review status: criteria provided, single submitter. Criteria: Invitae Variant Classification Sherloc (09022015). Collection method: clinical testing. Allele origin: germline.
Comment: This sequence change replaces alanine, which is neutral and non-polar, with threonine, which is neutral and polar, at codon 446 of the CDH1 protein (p.Ala446Thr). This variant is not present in population databases (gnomAD no frequency). This variant has not been reported in the literature in individuals affected with CDH1-related conditions. ClinVar contains an entry for this variant (Variation ID: 234548). Algorithms developed to predict the effect of missense changes on protein structure and function output the following: SIFT: "Not Available"; PolyPhen-2: "Benign"; Align-GVGD: "Not Available". The threonine amino acid residue is found in multiple mammalian species, which suggests that this missense change does not adversely affect protein function. In summary, the available evidence is currently insufficient to determine the role of this variant in disease. Therefore, it has been classified as a Variant of Uncertain Significance.

Color Diagnostics, LLC DBA Color Health
Classification: Uncertain significance for Hereditary cancer-predisposing syndrome. Last evaluated: 2020-03-23. Review status: criteria provided, single submitter. Criteria: ACMG Guidelines, 2015. Collection method: clinical testing. Allele origin: germline.
Comment: This missense variant replaces alanine with threonine at codon 446 of the CDH1 protein. Splice site prediction tools suggest that this variant may not impact RNA splicing. To our knowledge, functional studies have not been reported for this variant. This variant has not been reported in individuals affected with hereditary cancer in the literature. This variant has not been identified in the general population by the Genome Aggregation Database (gnomAD). The available evidence is insufficient to determine the role of this variant in disease conclusively. Therefore, this variant is classified as a Variant of Uncertain Significance.

GeneDx
Classification: Uncertain significance. Last evaluated: 2016-04-04. Review status: criteria provided, single submitter. Criteria: GeneDx Variant Classification (06012015). Collection method: clinical testing. Allele origin: germline. Affected: yes.
Comment: This variant is denoted CDH1 c.1336G>A at the cDNA level, p.Ala446Thr (A446T) at the protein level, and results in the change of an Alanine to a Threonine (GCC>ACC). This variant has not, to our knowledge, been published in the literature as being pathogenic or benign. CDH1 Ala446Thr was not observed in approximately 6,500 individuals of European and African American ancestry in the NHLBI Exome Sequencing Project, indicating it is not a common benign variant in these populations. Since Alanine and Threonine differ in polarity, charge, size or other properties, this is considered a non-conservative amino acid substitution. CDH1 Ala446Thr occurs at a position that is not conserved and is located in the Cadherin 3 domain (UniProt). In silico analyses predict that this variant is unlikely to alter protein structure or function. Based on currently available evidence, it is unclear whether CDH1 Ala446Thr is a pathogenic or benign variant. We consider it to be a variant of uncertain significance.

Literature cited by the submitters: PubMed 33471991 (cited by Ambry Genetics).